The following is an entry in ClinVar:

ClinVar aggregate classification (germline): Benign/Likely benign. Review status: criteria provided, multiple submitters, no conflicts (2 of 4 stars). 5 submissions from 5 submitters: Benign (1); Likely benign (4). Last evaluated 2025-11-05.

Conditions:
Hereditary leiomyomatosis and renal cell cancer. Also called: MULTIPLE CUTANEOUS AND UTERINE LEIOMYOMATA 1, WITH OR WITHOUT RENAL CELL CARCINOMA; Reed syndrome; Multiple cutaneous and uterine leiomyomatosis; Cutaneous leiomyomata with uterine leiomyomata; Leiomyoma, hereditary multiple, of skin; Multiple cutaneous and uterine leiomyomata. Identifiers: Orphanet 523, MedGen C1708350, MONDO:0007888, OMIM 150800, HP:0007437. Disease mechanism: loss of function.
Hereditary cancer-predisposing syndrome. Also called: Neoplastic Syndromes, Hereditary; Hereditary Cancer Syndrome; Tumor predisposition; Hereditary neoplastic syndrome. Identifiers: Orphanet 140162, MedGen C0027672, MeSH D009386, MONDO:0015356.

Allele frequency attached by ClinVar (database versions not stated): gnomAD exomes below 0.00001 and 0.00001; TOPMed below 0.00001.
gnomAD v4.1: 6 of 1,612,260 alleles (0.00037%); highest among the groups gnomAD compares: South Asian, 0.0011%; no homozygotes.

Submissions (5):

Labcorp Genetics (formerly Invitae), Labcorp
Classification: Likely benign. Last evaluated: 2025-11-05. Review status: criteria provided, single submitter. Criteria: Invitae Variant Classification Sherloc (09022015). Collection method: clinical testing. Allele origin: germline.

Myriad Genetics, Inc.
Classification: Benign for Hereditary leiomyomatosis and renal cell cancer. Last evaluated: 2024-10-22. Review status: criteria provided, single submitter. Criteria: Myriad Autosomal Dominant, Autosomal Recessive and X-Linked Classification Criteria (2023). Collection method: clinical testing. Allele origin: unknown.
Comment: This variant is considered benign. This variant is a silent/synonymous amino acid change and it is not expected to impact splicing.

Blueprint Genetics
Classification: Likely benign. Last evaluated: 2024-08-20. Review status: criteria provided, single submitter. Criteria: ACMG Guidelines, 2015. Collection method: clinical testing. Allele origin: germline.

CeGaT Center for Human Genetics Tuebingen
Classification: Likely benign. Last evaluated: 2022-12-01. Review status: criteria provided, single submitter. Criteria: CeGaT Center For Human Genetics Tuebingen Variant Classification Criteria Version 2. Collection method: clinical testing. Allele origin: germline. Affected: yes. Observed: 1 variant allele.
Comment: FH: BP4, BP7

Ambry Genetics
Classification: Likely benign for Hereditary cancer-predisposing syndrome. Last evaluated: 2019-03-28. Review status: criteria provided, single submitter. Criteria: Ambry Variant Classification Scheme 2023. Collection method: clinical testing. Allele origin: germline.

NM_000143.4(FH):c.1503A>G (p.Val501=)

Gene: FH (fumarate hydratase; minus strand). Cytogenetic location: 1q43.
Variant type: single nucleotide variant.
Coding change: c.1503A>G on transcript NM_000143.4 (MANE Select); coding-DNA position 1503, A replaced by G.
Protein change: p.Val501=; no amino-acid change (valine 501 retained).
Molecular consequence: synonymous variant.
Genome position (GRCh38, 1-based): chr1:241,497,858, T>C on the plus strand (A>G on the coding strand, the complement: FH is on the minus strand). VCF-style: chr1-241497858-T-C. GRCh37 (hg19) VCF-style: chr1-241661158-T-C.
Identifiers: ClinVar variation 529832 (VCV000529832.41), dbSNP rs1553340502, ClinGen allele CA424072498.
Genomic context (GRCh38, chr1:241,497,858, plus strand): 5'-ATGTTTATTTTCATTATAAATTTATGTAAATCACTTTGGACCCAGCATGTCCTTAGGTTT[T>C]ACCCATTCGTCAAACTGCTCTGCTGTGAGATAGCCAAGTTCGATAGCAGTTTCCTTTAAG-3'
Protein context (NP_000134.2, residues 491-510): YLTAEQFDEW[Val501=]KPKDMLGPK